The following is an entry in ClinVar:

ClinVar aggregate classification (germline): Uncertain significance (1 of 4 stars; one submission).

gnomAD v4.1: 1 of 1,612,210 alleles (0.000062%); highest among the groups gnomAD compares: Non-Finnish European, 0.000085%; no homozygotes.

Submission:

GeneDx
Classification: Uncertain significance. Last evaluated: 2026-10-05. Review status: criteria provided, single submitter. Criteria: GeneDx Variant Classification Process June 2021. Collection method: clinical testing. Allele origin: germline.
Comment: Not observed at significant frequency in large population cohorts (gnomAD); In silico analysis supports that this missense variant has a deleterious effect on protein structure/function; Has not been previously published as pathogenic or benign to our knowledge

NM_017934.7(PHIP):c.2951A>G (p.Tyr984Cys)

Genes: IRAK1BP1 (interleukin 1 receptor associated kinase 1 binding protein 1; plus strand), PHIP (PHIP subunit of CUL4-Ring ligase complex; minus strand). Cytogenetic location: 6q14.1.
Variant type: single nucleotide variant.
Coding change: c.2951A>G on transcript NM_017934.7 (MANE Select); coding-DNA position 2951, A replaced by G.
Protein change: p.Tyr984Cys; replaces tyrosine 984 with cysteine.
Molecular consequence: missense variant.
Genome position (GRCh38, 1-based): chr6:78,970,827, T>C on the plus strand (A>G on the coding strand, the complement: PHIP is on the minus strand). VCF-style: chr6-78970827-T-C. GRCh37 (hg19) VCF-style: chr6-79680544-T-C.
Other names: short protein forms Y984C.
Identifiers: ClinVar variation 3371836 (VCV003371836.2).
Genomic context (GRCh38, chr6:78,970,827, plus strand): 5'-AATCAATGTCATACCCGTAGCTCCATTTTATGCCATGGTTGTTTTTTGGGATTGATACTA[T>C]ATATTTTATTTTTCCGGGCCATTTCGACATAGGCTTCATGTCCTTGTCGGAAATAATAAA-3'
Protein context (NP_060404.4, residues 974-994): YVEMARKNKI[Tyr984Cys]SINPKKQPWH